The following is an entry in ClinVar:

ClinVar aggregate classification (germline): Uncertain significance. Review status: criteria provided, multiple submitters, no conflicts (2 of 4 stars). 2 submissions from 2 submitters: Uncertain significance (2). Last evaluated 2025-12-02.

Conditions:
C1Q deficiency 2. Identifiers: MedGen C5830422, MONDO:0958187, OMIM 620321.

gnomAD v4.1: 1 of 1,614,030 alleles (0.000062%); highest among the groups gnomAD compares: Admixed American, 0.0017%; no homozygotes.

Submissions (2):

Mayo Clinic Laboratories, Mayo Clinic
Classification: Uncertain significance. Last evaluated: 2025-12-02. Review status: criteria provided, single submitter. Criteria: ACMG Guidelines, 2015. Collection method: clinical testing. Allele origin: germline. Observed: 1 variant allele.
Comment: PM2_supporting

Fulgent Genetics
Classification: Uncertain significance for C1Q deficiency 2. Last evaluated: 2024-01-27. Review status: criteria provided, single submitter. Criteria: ACMG Guidelines, 2015. Collection method: clinical testing. Allele origin: germline.

NM_001378156.1(C1QB):c.95C>A (p.Pro32His)

Gene: C1QB (complement C1q B chain; plus strand). Cytogenetic location: 1p36.12.
Variant type: single nucleotide variant.
Coding change: c.95C>A on transcript NM_001378156.1 (MANE Select); coding-DNA position 95, C replaced by A.
Protein change: p.Pro32His; replaces proline 32 with histidine.
Molecular consequence: missense variant.
Genome position (GRCh38, 1-based): chr1:22,659,557, C>A. VCF-style: chr1-22659557-C-A. GRCh37 (hg19) VCF-style: chr1-22986050-C-A.
Other names: p.Pro34His; c.101C>A, p.Pro34His (NM_000491.5); c.95C>A, p.Pro32His (NM_001371184.3); c.101C>A (NM_000491.4); short protein forms P34H, P32H.
Identifiers: ClinVar variation 3580824 (VCV003580824.2).